The following is an entry in ClinVar:

NM_014165.4(NDUFAF4):c.70A>G (p.Lys24Glu)

Genes: NDUFAF4 (NADH:ubiquinone oxidoreductase complex assembly factor 4; minus strand), LOC129996857 (ATAC-STARR-seq lymphoblastoid active region 24846; plus strand). Cytogenetic location: 6q16.1.
Variant type: single nucleotide variant.
Coding change: c.70A>G on transcript NM_014165.4 (MANE Select); coding-DNA position 70, A replaced by G.
Protein change: p.Lys24Glu; replaces lysine 24 with glutamic acid.
Molecular consequence: missense variant.
Genome position (GRCh38, 1-based): chr6:96,897,732, T>C on the plus strand (A>G on the coding strand, the complement: NDUFAF4 is on the minus strand). VCF-style: chr6-96897732-T-C. GRCh37 (hg19) VCF-style: chr6-97345608-T-C.
Other names: short protein forms K24E.
Identifiers: ClinVar variation 214752 (VCV000214752.3), dbSNP rs863224092, ClinGen allele CA323096.

ClinVar aggregate classification (germline): Uncertain significance (1 of 4 stars; one submission).

Allele frequency attached by ClinVar (database versions not stated): gnomAD exomes below 0.00001.
gnomAD v4.1: 2 of 1,614,178 alleles (0.00012%); highest among the groups gnomAD compares: East Asian, 0.0022%; no homozygotes.

Submission:

GeneDx
Classification: Uncertain significance. Last evaluated: 2024-10-15. Review status: criteria provided, single submitter. Criteria: GeneDx Variant Classification Process June 2021. Collection method: clinical testing. Allele origin: germline. Affected: yes.
Comment: Not observed at significant frequency in large population cohorts (gnomAD); In silico analysis indicates that this missense variant does not alter protein structure/function; Has not been previously published as pathogenic or benign to our knowledge